The following is an entry in ClinVar:

NM_000388.4(CASR):c.2287A>T (p.Ile763Phe)

Gene: CASR (calcium sensing receptor; plus strand). Cytogenetic location: 3q21.1.
Variant type: single nucleotide variant.
Coding change: c.2287A>T on transcript NM_000388.4 (MANE Select); coding-DNA position 2287, A replaced by T.
Protein change: p.Ile763Phe; replaces isoleucine 763 with phenylalanine.
Molecular consequence: missense variant.
Genome position (GRCh38, 1-based): chr3:122,284,241, A>T. VCF-style: chr3-122284241-A-T. GRCh37 (hg19) VCF-style: chr3-122003088-A-T.
Other names: c.2317A>T, p.Ile773Phe (NM_001178065.2); short protein forms I763F, I773F.
Identifiers: ClinVar variation 3231535 (VCV003231535.1), dbSNP rs2473279220, ClinGen allele CA354159329.

ClinVar aggregate classification (germline): Uncertain significance (1 of 4 stars; one submission).

Conditions:
Nephrolithiasis/nephrocalcinosis. Identifiers: MedGen CN580796.

Submission:

Ambry Genetics
Classification: Uncertain significance for Nephrolithiasis/nephrocalcinosis. Last evaluated: 2023-10-19. Review status: criteria provided, single submitter. Criteria: Ambry Variant Classification Scheme 2023. Collection method: clinical testing. Allele origin: germline.
Comment: The p.I763F variant (also known as c.2287A>T), located in coding exon 6 of the CASR gene, results from an A to T substitution at nucleotide position 2287. The isoleucine at codon 763 is replaced by phenylalanine, an amino acid with highly similar properties. This amino acid position is conserved. In addition, this alteration is predicted to be deleterious by in silico analysis. Since supporting evidence is limited at this time, the clinical significance of this alteration remains unclear.